The following is an entry in ClinVar:

NM_001454.4(FOXJ1):c.1263G>T (p.Leu421Phe)

Gene: FOXJ1 (forkhead box J1; minus strand). Cytogenetic location: 17q25.1.
Variant type: single nucleotide variant.
Coding change: c.1263G>T on transcript NM_001454.4 (MANE Select); coding-DNA position 1263, G replaced by T.
Protein change: p.Leu421Phe; replaces leucine 421 with phenylalanine.
Molecular consequence: missense variant.
Genome position (GRCh38, 1-based): chr17:76,137,356, C>A on the plus strand (G>T on the coding strand, the complement: FOXJ1 is on the minus strand). VCF-style: chr17-76137356-C-A. GRCh37 (hg19) VCF-style: chr17-74133437-C-A.
Other names: short protein forms L421F.
Identifiers: ClinVar variation 3053190 (VCV003053190.2), dbSNP rs561343952, ClinGen allele CA8781869.

ClinVar aggregate classification (germline): Likely benign (0 of 4 stars; one submission).

Conditions:
FOXJ1-related disorder. Also called: FOXJ1-related condition.

Allele frequency attached by ClinVar (database versions not stated): 1000 Genomes Project 30x 0.00078; 1000 Genomes Project 0.00080; TOPMed 0.00103; ExAC 0.00130.
gnomAD v4.1: 314 of 1,484,272 alleles (0.021%); highest among the groups gnomAD compares: Admixed American, 0.67%; 4 homozygotes.

Submission:

PreventionGenetics, part of Exact Sciences
Classification: Likely benign for FOXJ1-related condition. Last evaluated: 2023-12-14. Review status: no assertion criteria provided. Collection method: clinical testing. Allele origin: germline.
Comment: This variant is classified as likely benign based on ACMG/AMP sequence variant interpretation guidelines (Richards et al. 2015 PMID: 25741868, with internal and published modifications).